The following is an entry in ClinVar:

ClinVar aggregate classification (germline): Conflicting classifications of pathogenicity. Review status: criteria provided, conflicting classifications (1 of 4 stars). 10 submissions from 10 submitters: Uncertain significance (1); Benign (1); Likely benign (4). 4 of the submissions do not count toward it. Last evaluated 2026-02-01.

Conditions:
ITGA7-related disorder. Also called: ITGA7-related condition.
Congenital muscular dystrophy due to integrin alpha-7 deficiency. Also called: Congenital muscular dystrophy with integrin alpha-7 deficiency; Muscular dystrophy, congenital, due to ITGA7 deficiency; MYOPATHY, CONGENITAL, DUE TO INTEGRIN ALPHA-7 DEFICIENCY. Identifiers: Orphanet 34520, MedGen C2750786, MONDO:0013177, OMIM 613204.

Allele frequency attached by ClinVar (database versions not stated): 1000 Genomes Project 0.00020; gnomAD 0.00270 and 0.00258; gnomAD exomes 0.00203; 1000 Genomes Project 30x 0.00016; ExAC 0.00220; TOPMed 0.00233; ESP Exome Variant Server 0.00246.
gnomAD v4.1: 5,766 of 1,614,082 alleles (0.36%); highest among the groups gnomAD compares: Non-Finnish European, 0.46%; 8 homozygotes.

Submissions (10):

Labcorp Genetics (formerly Invitae), Labcorp
Classification: Likely benign for Congenital muscular dystrophy due to integrin alpha-7 deficiency. Last evaluated: 2026-02-01. Review status: criteria provided, single submitter. Criteria: Invitae Variant Classification Sherloc (09022015). Collection method: clinical testing. Allele origin: germline.

Mayo Clinic Laboratories, Mayo Clinic
Classification: Benign. Last evaluated: 2024-12-06. Review status: criteria provided, single submitter. Criteria: ACMG Guidelines, 2015. Collection method: clinical testing. Allele origin: germline. Observed: 2 variant alleles.
Comment: BS1, BS2, BP4

Blueprint Genetics
Classification: Likely benign. Last evaluated: 2024-11-20. Review status: criteria provided, single submitter. Criteria: ACMG Guidelines, 2015. Collection method: clinical testing. Allele origin: germline.

Women's Health and Genetics/Laboratory Corporation of America, LabCorp
Classification: Likely benign. Last evaluated: 2024-04-29. Review status: criteria provided, single submitter. Criteria: LabCorp Variant Classification Summary - May 2015. Collection method: clinical testing. Allele origin: germline.
Comment: Variant summary: ITGA7 c.2569G>A (p.Gly857Ser) results in a non-conservative amino acid change located in the Integrin alpha, third immunoglobulin-like domain (IPR048286) of the encoded protein sequence. Four of five in-silico tools predict a damaging effect of the variant on protein function. The variant allele was found at a frequency of 0.002 in 251472 control chromosomes, predominantly at a frequency of 0.004 within the Non-Finnish European subpopulation in the gnomAD database, including 1 homozygotes. The observed variant frequency within Non-Finnish European control individuals in the gnomAD (v4.0.0) strongly suggests that the variant is a benign polymorphism found primarily in populations of Non-Finnish European origin. To our knowledge, no occurrence of c.2569G>A in individuals affected with Congenital Muscular Dystrophy Due To Integrin Alpha-7 Deficiency and no experimental evidence demonstrating its impact on protein function have been reported. ClinVar contains an entry for this variant (Variation ID: 94040). Based on the evidence outlined above, the variant was classified as likely benign.

GeneDx
Classification: Likely benign. Last evaluated: 2021-03-04. Review status: criteria provided, single submitter. Criteria: GeneDx Variant Classification Process June 2021. Collection method: clinical testing. Allele origin: germline. Affected: yes.

Eurofins Ntd Llc (ga)
Classification: Uncertain significance. Last evaluated: 2013-11-05. Review status: criteria provided, single submitter. Criteria: EGL Classification Definitions 2015. Collection method: clinical testing. Allele origin: germline. Observed: 1 variant allele, 1 heterozygote.

PreventionGenetics, part of Exact Sciences
Classification: Likely benign for ITGA7-related condition. Last evaluated: 2020-09-16. Review status: no assertion criteria provided. Collection method: clinical testing. Allele origin: germline. Not counted in ClinVar's aggregate classification.
Comment: This variant is classified as likely benign based on ACMG/AMP sequence variant interpretation guidelines (Richards et al. 2015 PMID: 25741868, with internal and published modifications).

Diagnostic Laboratory, Department of Genetics, University Medical Center Groningen
Classification: Likely benign. Review status: no assertion criteria provided. Collection method: clinical testing. Allele origin: germline. Affected: yes. Study: VKGL Data-share Consensus. Not counted in ClinVar's aggregate classification.

Genome Diagnostics Laboratory, University Medical Center Utrecht
Classification: Likely benign. Review status: no assertion criteria provided. Collection method: clinical testing. Allele origin: germline. Affected: yes. Study: VKGL Data-share Consensus. Not counted in ClinVar's aggregate classification.

Laboratory of Diagnostic Genome Analysis, Leiden University Medical Center (LUMC)
Classification: Likely benign. Review status: no assertion criteria provided. Collection method: clinical testing. Allele origin: germline. Affected: yes. Study: VKGL Data-share Consensus. Not counted in ClinVar's aggregate classification.

NM_002206.3(ITGA7):c.2569G>A (p.Gly857Ser)

Gene: ITGA7 (integrin subunit alpha 7; minus strand). Cytogenetic location: 12q13.2.
Variant type: single nucleotide variant.
Coding change: c.2569G>A on transcript NM_002206.3 (MANE Select); coding-DNA position 2569, G replaced by A.
Protein change: p.Gly857Ser; replaces glycine 857 with serine.
Molecular consequence: missense variant.
Genome position (GRCh38, 1-based): chr12:55,693,284, C>T on the plus strand (G>A on the coding strand, the complement: ITGA7 is on the minus strand). VCF-style: chr12-55693284-C-T. GRCh37 (hg19) VCF-style: chr12-56087068-C-T.
Other names: c.2581G>A, p.Gly861Ser (NM_001144996.2); c.2290G>A, p.Gly764Ser (NM_001144997.2); c.2242G>A, p.Gly748Ser (NM_001367993.1); c.1225G>A, p.Gly409Ser (NM_001367994.1); c.2551G>A, p.Gly851Ser (NM_001374465.1); c.2701G>A, p.Gly901Ser (NM_001410977.1); c.2563G>A, p.Gly855Ser (NM_001414029.1); c.2494G>A, p.Gly832Ser (NM_001414030.1); and 5 more; short protein forms G857S, G764S, G748S, G409S, G861S, G851S, G901S, G744S.
Identifiers: ClinVar variation 94040 (VCV000094040.26), dbSNP rs149081471, ClinGen allele CA221925.